The following is an entry in ClinVar:

ClinVar aggregate classification (germline): Uncertain significance (1 of 4 stars; one submission).

Conditions:
Charcot-Marie-Tooth disease type 4. Also called: Charcot-Marie-Tooth disease, type IV; Charcot-Marie-Tooth, Type 4. Identifiers: Orphanet 64749, MedGen C4082197, MONDO:0018995.

Submission:

Labcorp Genetics (formerly Invitae), Labcorp
Classification: Uncertain significance for Charcot-Marie-Tooth disease type 4. Last evaluated: 2022-10-18. Review status: criteria provided, single submitter. Criteria: Invitae Variant Classification Sherloc (09022015). Collection method: clinical testing. Allele origin: germline.
Comment: In summary, the available evidence is currently insufficient to determine the role of this variant in disease. Therefore, it has been classified as a Variant of Uncertain Significance. Advanced modeling of protein sequence and biophysical properties (such as structural, functional, and spatial information, amino acid conservation, physicochemical variation, residue mobility, and thermodynamic stability) performed at Invitae indicates that this missense variant is not expected to disrupt FGD4 protein function. This variant has not been reported in the literature in individuals affected with FGD4-related conditions. This variant is not present in population databases (gnomAD no frequency). This sequence change replaces asparagine, which is neutral and polar, with tyrosine, which is neutral and polar, at codon 308 of the FGD4 protein (p.Asn308Tyr).

NM_001370298.3(FGD4):c.1333A>T (p.Asn445Tyr)

Gene: FGD4 (FYVE, RhoGEF and PH domain containing 4; plus strand). Cytogenetic location: 12p11.21.
Variant type: single nucleotide variant.
Coding change: c.1333A>T on transcript NM_001370298.3 (MANE Select); coding-DNA position 1333, A replaced by T.
Protein change: p.Asn445Tyr; replaces asparagine 445 with tyrosine.
Molecular consequence: missense variant. On other transcripts: 5 prime UTR variant (1).
Genome position (GRCh38, 1-based): chr12:32,602,246, A>T. VCF-style: chr12-32602246-A-T. GRCh37 (hg19) VCF-style: chr12-32755180-A-T.
Other names: c.1177A>T, p.Asn393Tyr (NM_001304481.2); c.178A>T, p.Asn60Tyr (NM_001304483.2); c.-130A>T (NM_001304484.2); c.643A>T, p.Asn215Tyr (NM_001330373.2, NM_001330374.2, NM_001384130.1); c.370A>T, p.Asn124Tyr (NM_001370297.1); c.1333A>T, p.Asn445Tyr (NM_001384126.1); c.922A>T, p.Asn308Tyr (NM_001384127.1, NM_001384128.1, NM_001385118.1 and 1 more transcripts); short protein forms N215Y, N124Y, N393Y, N60Y, N308Y, N445Y.
Identifiers: ClinVar variation 2005649 (VCV002005649.3), dbSNP rs1320008585, ClinGen allele CA384358738.
Genomic context (GRCh38, chr12:32,602,246, plus strand): 5'-ATCCTTCAGAAATTGGCACCATTCCTTAAGATGTATGGAGAATATGTGAAAGGATTTGAT[A>T]ATGCAATGGAATTGGTTAAAAACATGACAGAACGTATTCCCCAGTTCAAATCAGTGGTTG-3'
Protein context (NP_001357227.2, residues 435-455): MYGEYVKGFD[Asn445Tyr]AMELVKNMTE